The following is an entry in ClinVar:

NM_001430.5(EPAS1):c.1662G>T (p.Glu554Asp)

Gene: EPAS1 (endothelial PAS domain protein 1; plus strand). Cytogenetic location: 2p21.
Variant type: single nucleotide variant.
Coding change: c.1662G>T on transcript NM_001430.5 (MANE Select); coding-DNA position 1662, G replaced by T.
Protein change: p.Glu554Asp; replaces glutamic acid 554 with aspartic acid.
Molecular consequence: missense variant.
Genome position (GRCh38, 1-based): chr2:46,380,334, G>T. VCF-style: chr2-46380334-G-T. GRCh37 (hg19) VCF-style: chr2-46607473-G-T.
Other names: short protein forms E554D.
Identifiers: ClinVar variation 3221563 (VCV003221563.1), dbSNP rs1322238998, ClinGen allele CA346704613.

ClinVar aggregate classification (germline): Uncertain significance (1 of 4 stars; one submission).

Conditions:
Inborn genetic diseases. Identifiers: MedGen C0950123, MeSH D030342.

Submission:

Ambry Genetics
Classification: Uncertain significance for Inborn genetic diseases. Last evaluated: 2024-01-13. Review status: criteria provided, single submitter. Criteria: Ambry Variant Classification Scheme 2023. Collection method: clinical testing. Allele origin: germline.
Comment: The p.E554D variant (also known as c.1662G>T), located in coding exon 12 of the EPAS1 gene, results from a G to T substitution at nucleotide position 1662. The glutamic acid at codon 554 is replaced by aspartic acid, an amino acid with highly similar properties. This amino acid position is conserved. In addition, this alteration is predicted to be tolerated by in silico analysis. Since supporting evidence is limited at this time, the clinical significance of this alteration remains unclear.